The following is an entry in ClinVar:

ClinVar aggregate classification (germline): Benign/Likely benign. Review status: criteria provided, multiple submitters, no conflicts (2 of 4 stars). 2 submissions from 2 submitters: Benign (1); Likely benign (1). Last evaluated 2024-10-06.

Conditions:
Hereditary spastic paraplegia 4. Also called: Spastic paraplegia 4, autosomal dominant; Spastic Paraplegia 4; Familial spastic paraplegia autosomal dominant 2. Identifiers: Orphanet 100985, MedGen C1866855, MONDO:0008438, OMIM 182601.

Allele frequency attached by ClinVar (database versions not stated): TOPMed 0.00001; gnomAD 0.00002 and 0.00008; gnomAD exomes 0.00009 and 0.00022; ExAC 0.00010; 1000 Genomes Project 30x 0.00047; 1000 Genomes Project 0.00060.
gnomAD v4.1: 327 of 1,614,152 alleles (0.02%); highest among the groups gnomAD compares: East Asian, 0.72%; 3 homozygotes.

Submissions (2):

Labcorp Genetics (formerly Invitae), Labcorp
Classification: Benign for Hereditary spastic paraplegia 4. Last evaluated: 2024-10-06. Review status: criteria provided, single submitter. Criteria: Invitae Variant Classification Sherloc (09022015). Collection method: clinical testing. Allele origin: germline.

Illumina Laboratory Services, Illumina
Classification: Likely benign for Hereditary spastic paraplegia 4. Last evaluated: 2018-01-13. Review status: criteria provided, single submitter. Criteria: ICSL Variant Classification Criteria 13 December 2019. Collection method: clinical testing. Allele origin: germline.
Comment: This variant was observed in the ICSL laboratory as part of a predisposition screen in an ostensibly healthy population. It had not been previously curated by ICSL or reported in the Human Gene Mutation Database (HGMD: prior to June 1st, 2018), and was therefore a candidate for classification through an automated scoring system. Utilizing variant allele frequency, disease prevalence and penetrance estimates, and inheritance mode, an automated score was calculated to assess if this variant is too frequent to cause the disease. Based on the score and internal cut-off values, a variant classified as likely benign is not then subjected to further curation. The score for this variant resulted in a classification of likely benign for this disease.

NM_014946.4(SPAST):c.828T>C (p.Ser276=)

Gene: SPAST (spastin; plus strand). Cytogenetic location: 2p22.3.
Variant type: single nucleotide variant.
Coding change: c.828T>C on transcript NM_014946.4 (MANE Select); coding-DNA position 828, T replaced by C.
Protein change: p.Ser276=; no amino-acid change (serine 276 retained).
Molecular consequence: synonymous variant.
Genome position (GRCh38, 1-based): chr2:32,114,783, T>C. VCF-style: chr2-32114783-T-C. GRCh37 (hg19) VCF-style: chr2-32339852-T-C.
Other names: c.825T>C, p.Ser275= (NM_001363823.2); c.729T>C, p.Ser243= (NM_001363875.2); c.732T>C, p.Ser244= (NM_001377959.1, NM_199436.2).
Identifiers: ClinVar variation 335832 (VCV000335832.9), dbSNP rs77525846, ClinGen allele CA1600713.